The following is an entry in ClinVar:

NM_016507.4(CDK12):c.1802C>A (p.Ser601Tyr)

Gene: CDK12 (cyclin dependent kinase 12; plus strand). Cytogenetic location: 17q12.
Variant type: single nucleotide variant.
Coding change: c.1802C>A on transcript NM_016507.4 (MANE Select); coding-DNA position 1802, C replaced by A.
Protein change: p.Ser601Tyr; replaces serine 601 with tyrosine.
Molecular consequence: missense variant.
Genome position (GRCh38, 1-based): chr17:39,471,634, C>A. VCF-style: chr17-39471634-C-A. GRCh37 (hg19) VCF-style: chr17-37627887-C-A.
Other names: c.1802C>A, p.Ser601Tyr (NM_015083.4); short protein forms S601Y.
Identifiers: ClinVar variation 3999465 (VCV003999465.1).

ClinVar aggregate classification (germline): Uncertain significance (1 of 4 stars; one submission).

Submission:

Ambry Genetics
Classification: Uncertain significance. Last evaluated: 2025-05-17. Review status: criteria provided, single submitter. Criteria: Ambry Variant Classification Scheme 2023. Collection method: clinical testing. Allele origin: germline.
Comment: The p.S601Y variant (also known as c.1802C>A), located in coding exon 2 of the CDK12 gene, results from a C to A substitution at nucleotide position 1802. The serine at codon 601 is replaced by tyrosine, an amino acid with dissimilar properties. This amino acid position is conserved. In addition, this alteration is predicted to be tolerated by in silico analysis. Based on the available evidence, the clinical significance of this variant remains unclear.